The following is an entry in ClinVar:

ClinVar aggregate classification (germline): Pathogenic (1 of 4 stars; one submission).

Conditions:
Hyperammonemia, type III (NAGSD). Also called: Hyperammonemia due to N-acetylglutamate synthase deficiency. Identifiers: Orphanet 927, MedGen C0268543, MONDO:0009377, OMIM 237310.

Submission:

Labcorp Genetics (formerly Invitae), Labcorp
Classification: Pathogenic for Hyperammonemia, type III. Last evaluated: 2022-09-12. Review status: criteria provided, single submitter. Criteria: Invitae Variant Classification Sherloc (09022015). Collection method: clinical testing. Allele origin: germline.
Comment: For these reasons, this variant has been classified as Pathogenic. ClinVar contains an entry for this variant (Variation ID: 1375065). This variant has not been reported in the literature in individuals affected with NAGS-related conditions. This variant is not present in population databases (gnomAD no frequency). This sequence change creates a premature translational stop signal (p.Gly298Alafs*10) in the NAGS gene. It is expected to result in an absent or disrupted protein product. Loss-of-function variants in NAGS are known to be pathogenic (PMID: 12594532).

Literature cited by the submitters: PubMed 12594532.

NM_153006.3(NAGS):c.893del (p.Gly298fs)

Gene: NAGS (N-acetylglutamate synthase; plus strand). Cytogenetic location: 17q21.31.
Variant type: Deletion.
Coding change: c.893del on transcript NM_153006.3 (MANE Select); coding-DNA position 893, one base deleted (G; older notation c.893delG).
Protein change: p.Gly298fs; shifts the reading frame from glycine 298.
Molecular consequence: frameshift variant.
Genome position (GRCh38, 1-based): chr17:44,006,215, G deleted; the last of 2 consecutive G bases (chr17:44,006,214-44,006,215); deleting either gives the same sequence. VCF-style (leftmost placement, unchanged base first): chr17-44006213-CG-C. GRCh37 (hg19) VCF-style: chr17-42083581-CG-C.
Other names: short protein forms G298fs.
Identifiers: ClinVar variation 1375065 (VCV001375065.6), dbSNP rs2143985704, ClinGen allele CA2573154097.
Genomic context (GRCh38, chr17:44,006,213, plus strand): 5'-GACCGCGTCGCTGGCCAAGGCGCTGCGGCCCACCAAAATCATCTTCCTCAATAACACAGG[CG>C]GCCTGCGCGACAGCAGTCATAAGGTGCGGCCCTTTCTTTCACCTTCCCCCACGCCGGCGA-3'